The following is an entry in ClinVar:

NM_001042492.3(NF1):c.8378-3C>T

Gene: NF1 (neurofibromin 1; plus strand). Cytogenetic location: 17q11.2.
Variant type: single nucleotide variant.
Coding change: c.8378-3C>T on transcript NM_001042492.3 (MANE Select); 3 bases into the intron before coding-DNA position 8378, C replaced by T.
Molecular consequence: intron variant.
Genome position (GRCh38, 1-based): chr17:31,374,010, C>T. VCF-style: chr17-31374010-C-T. GRCh37 (hg19) VCF-style: chr17-29701028-C-T.
Other names: c.8315-3C>T (NM_000267.4).
Identifiers: ClinVar variation 2452234 (VCV002452234.2), dbSNP rs2151601213, ClinGen allele CA2580093039.

ClinVar aggregate classification (germline): Uncertain significance (1 of 4 stars; one submission).

Conditions:
Hereditary cancer-predisposing syndrome. Also called: Neoplastic Syndromes, Hereditary; Tumor predisposition; Hereditary neoplastic syndrome; Hereditary Cancer Syndrome. Identifiers: Orphanet 140162, MedGen C0027672, MeSH D009386, MONDO:0015356.
Cardiovascular phenotype. Identifiers: MedGen CN230736.

Submission:

Ambry Genetics
Classification: Uncertain significance for Cardiovascular phenotype; Hereditary cancer-predisposing syndrome. Last evaluated: 2022-12-21. Review status: criteria provided, single submitter. Criteria: Ambry Variant Classification Scheme 2023. Collection method: clinical testing. Allele origin: germline.
Comment: The c.8315-3C>T intronic variant results from a C to T substitution 3 nucleotides before coding exon 57 in the NF1 gene. This nucleotide position is well conserved in available vertebrate species. In silico splice site analysis predicts that this alteration will not have any significant effect on splicing. Since supporting evidence is limited at this time, the clinical significance of this alteration remains unclear.